The following is an entry in ClinVar:

NM_024592.5(SRD5A3):c.286_288delinsTGAGTAAGGC (p.Gln96Ter)

Gene: SRD5A3 (steroid 5 alpha-reductase 3; plus strand). Cytogenetic location: 4q12.
Variant type: Indel.
Coding change: c.286_288delinsTGAGTAAGGC on transcript NM_024592.5 (MANE Select); coding-DNA positions 286 to 288, CAA replaced by TGAGTAAGGC.
Protein change: p.Gln96Ter; replaces glutamine 96 with a stop codon.
Molecular consequence: nonsense.
Genome position (GRCh38, 1-based): chr4:55,359,410-55,359,412, CAA replaced by TGAGTAAGGC. VCF-style: chr4-55359410-CAA-TGAGTAAGGC. GRCh37 (hg19) VCF-style: chr4-56225577-CAA-TGAGTAAGGC.
Other names: c.286_288delinsTGAGTAAGGC (NM_024592.4); c.286_288delCAAinsTGAGTAAGGC (NM_024592.4); short protein forms Q96*.
Identifiers: ClinVar variation 18404 (VCV000018404.2), dbSNP rs587776521, ClinGen allele CA251621.
Genomic context (GRCh38, chr4:55,359,410, plus strand): 5'-TTTTCCCACTTTTATATCATCTCAGTGCTGTGGAATGGCTTCCTGCTTTGGTGCCTTACT[CAA>TGAGTAAGGC]TCTCTGTTCCTGGGAGCACCTTTTCCAAGCTGGCTTCATGGTTTGCTCAGAATTCTCGGG-3'

ClinVar aggregate classification (germline): Pathogenic. Review status: criteria provided, single submitter (1 of 4 stars). 2 submissions from 2 submitters: Pathogenic (1). 1 of the submissions does not count toward it. Last evaluated 2024-10-04.

Conditions:
Kahrizi syndrome (KHRZ). Also called: MENTAL RETARDATION, CATARACT, COLOBOMA, AND KYPHOSIS, AUTOSOMAL RECESSIVE. Identifiers: MedGen C2675185, MONDO:0012991, OMIM 612713.
SRD5A3-congenital disorder of glycosylation. Also called: Congenital disorder of glycosylation type 1Q; CDG Iq; Ocular colobomas, ichthyosis, brain malformations and endocrine abnormalities; COLOBOMA, OCULAR, WITH ICHTHYOSIS, BRAIN MALFORMATIONS, AND ENDOCRINE ABNORMALITIES; SRD5A3-CDG. Identifiers: Orphanet 324737, MedGen C4317224, MONDO:0012885, OMIM 612379.

Submissions (2):

Dubai Health Genomic Medicine Center, Dubai Health
Classification: Pathogenic for Kahrizi syndrome. Last evaluated: 2024-10-04. Review status: criteria provided, single submitter. Criteria: ACMG Guidelines, 2015. Collection method: research. Allele origin: germline. Affected: yes.
Comment: PVS1,PM2,PP1

OMIM
Classification: Pathogenic for CONGENITAL DISORDER OF GLYCOSYLATION, TYPE Iq. Last evaluated: 2010-07-23. Review status: no assertion criteria provided. Collection method: literature only. Allele origin: germline. Not counted in ClinVar's aggregate classification.

Literature cited by the submitters: PubMed 18271001 (cited by OMIM); PubMed 20637498 (cited by OMIM).